The following is an entry in ClinVar:

ClinVar aggregate classification (germline): Uncertain significance. Review status: criteria provided, multiple submitters, no conflicts (2 of 4 stars). 4 submissions from 4 submitters: Uncertain significance (4). Last evaluated 2025-09-14.

Conditions:
Fanconi anemia complementation group A (FANCA). Also called: FANCA-Related Fanconi Anemia; Fanconi anemia, group A. Identifiers: Orphanet 84, MedGen C3469521, MONDO:0009215, OMIM 227650.
Inborn genetic diseases. Identifiers: MedGen C0950123, MeSH D030342.
Fanconi anemia (FA). Also called: Fanconi's anemia. Identifiers: Orphanet 84, MedGen C0015625, MeSH D005199, MONDO:0019391.

Allele frequency attached by ClinVar (database versions not stated): gnomAD exomes below 0.00001 and 0.00001; gnomAD 0.00001; ExAC 0.00003; 1000 Genomes Project 30x 0.00016; 1000 Genomes Project 0.00020.
gnomAD v4.1: 2 of 1,609,066 alleles (0.00012%); highest among the groups gnomAD compares: African/African-American, 0.0027%; no homozygotes.

Submissions (4):

Ambry Genetics
Classification: Uncertain significance for Inborn genetic diseases. Last evaluated: 2025-09-14. Review status: criteria provided, single submitter. Criteria: Ambry Variant Classification Scheme 2023. Collection method: clinical testing. Allele origin: germline.
Comment: The p.E740K variant (also known as c.2218G>A), located in coding exon 24 of the FANCA gene, results from a G to A substitution at nucleotide position 2218. The glutamic acid at codon 740 is replaced by lysine, an amino acid with similar properties. This amino acid position is conserved. In addition, this alteration is predicted to be tolerated by in silico analysis. Based on the available evidence, the clinical significance of this variant remains unclear.

Labcorp Genetics (formerly Invitae), Labcorp
Classification: Uncertain significance for Fanconi anemia. Last evaluated: 2025-01-27. Review status: criteria provided, single submitter. Criteria: Invitae Variant Classification Sherloc (09022015). Collection method: clinical testing. Allele origin: germline.
Comment: This sequence change replaces glutamic acid, which is acidic and polar, with lysine, which is basic and polar, at codon 740 of the FANCA protein (p.Glu740Lys). This variant is present in population databases (rs536086288, gnomAD 0.01%). This variant has not been reported in the literature in individuals affected with FANCA-related conditions. ClinVar contains an entry for this variant (Variation ID: 886429). Invitae Evidence Modeling of protein sequence and biophysical properties (such as structural, functional, and spatial information, amino acid conservation, physicochemical variation, residue mobility, and thermodynamic stability) indicates that this missense variant is not expected to disrupt FANCA protein function with a negative predictive value of 95%. In summary, the available evidence is currently insufficient to determine the role of this variant in disease. Therefore, it has been classified as a Variant of Uncertain Significance.

Fulgent Genetics
Classification: Uncertain significance for Fanconi anemia complementation group A. Last evaluated: 2022-04-21. Review status: criteria provided, single submitter. Criteria: ACMG Guidelines, 2015. Collection method: clinical testing. Allele origin: unknown.

Illumina Laboratory Services, Illumina
Classification: Uncertain significance for Fanconi anemia complementation group A. Last evaluated: 2018-01-12. Review status: criteria provided, single submitter. Criteria: ICSL Variant Classification Criteria 13 December 2019. Collection method: clinical testing. Allele origin: germline.

NM_000135.4(FANCA):c.2218G>A (p.Glu740Lys)

Gene: FANCA (FA complementation group A; minus strand). Cytogenetic location: 16q24.3.
Variant type: single nucleotide variant.
Coding change: c.2218G>A on transcript NM_000135.4 (MANE Select); coding-DNA position 2218, G replaced by A.
Protein change: p.Glu740Lys; replaces glutamic acid 740 with lysine.
Molecular consequence: missense variant.
Genome position (GRCh38, 1-based): chr16:89,770,568, C>T on the plus strand (G>A on the coding strand, the complement: FANCA is on the minus strand). VCF-style: chr16-89770568-C-T. GRCh37 (hg19) VCF-style: chr16-89836976-C-T.
Other names: c.2218G>A, p.Glu740Lys (NM_001286167.3); short protein forms E740K.
Identifiers: ClinVar variation 886429 (VCV000886429.13), dbSNP rs536086288, ClinGen allele CA8251842.
Genomic context (GRCh38, chr16:89,770,568, plus strand): 5'-GCAAGAGGTGGCACCCAGAGGAGCCCCACCACTCAGGGAGCTGCCCGCGCCTTCACCTCT[C>T]CGGGGGAGCGACACTGGAGGCAGCCATCAGGTTCTGACAGAAAGACGTCAGCAGGAGGTC-3'
Protein context (NP_000126.2, residues 730-750): LMAASSVAPP[Glu740Lys]RQGPWAALFV